The following is an entry in ClinVar:

ClinVar aggregate classification (germline): Uncertain significance (1 of 4 stars; one submission).

Conditions:
Hereditary cancer-predisposing syndrome. Also called: Tumor predisposition; Hereditary neoplastic syndrome; Hereditary Cancer Syndrome; Neoplastic Syndromes, Hereditary. Identifiers: Orphanet 140162, MedGen C0027672, MeSH D009386, MONDO:0015356.

Submission:

Ambry Genetics
Classification: Uncertain significance for Hereditary cancer-predisposing syndrome. Last evaluated: 2025-04-25. Review status: criteria provided, single submitter. Criteria: Ambry Variant Classification Scheme 2023. Collection method: clinical testing. Allele origin: germline.
Comment: The p.Q278H variant (also known as c.834G>C), located in coding exon 7 of the SMARCB1 gene, results from a G to C substitution at nucleotide position 834. The glutamine at codon 278 is replaced by histidine, an amino acid with highly similar properties. This amino acid position is conserved. In addition, this alteration is predicted to be deleterious by in silico analysis. Based on the available evidence, the clinical significance of this variant remains unclear.

NM_003073.5(SMARCB1):c.834G>C (p.Gln278His)

Gene: SMARCB1 (SWI/SNF related BAF chromatin remodeling complex subunit B1; plus strand). Cytogenetic location: 22q11.23.
Variant type: single nucleotide variant.
Coding change: c.834G>C on transcript NM_003073.5 (MANE Select); coding-DNA position 834, G replaced by C.
Protein change: p.Gln278His; replaces glutamine 278 with histidine.
Molecular consequence: missense variant.
Genome position (GRCh38, 1-based): chr22:23,825,263, G>C. VCF-style: chr22-23825263-G-C. GRCh37 (hg19) VCF-style: chr22-24167450-G-C.
Other names: c.807G>C, p.Gln269His (NM_001007468.3); c.861G>C, p.Gln287His (NM_001317946.2); c.888G>C, p.Gln296His (NM_001362877.2); short protein forms Q278H, Q287H, Q296H, Q269H.
Identifiers: ClinVar variation 3958527 (VCV003958527.1).